The following is an entry in ClinVar:

ClinVar aggregate classification (germline): Pathogenic (1 of 4 stars; one submission).

Conditions:
Hereditary cancer-predisposing syndrome. Also called: Hereditary neoplastic syndrome; Neoplastic Syndromes, Hereditary; Tumor predisposition; Hereditary Cancer Syndrome. Identifiers: Orphanet 140162, MedGen C0027672, MeSH D009386, MONDO:0015356.

Allele frequency attached by ClinVar (database versions not stated): gnomAD exomes below 0.00001.
gnomAD v4.1: 1 of 1,608,658 alleles (0.000062%); highest among the groups gnomAD compares: Non-Finnish European, 0.000085%; no homozygotes.

Submission:

Labcorp Genetics (formerly Invitae), Labcorp
Classification: Pathogenic for Hereditary cancer-predisposing syndrome. Last evaluated: 2021-12-20. Review status: criteria provided, single submitter. Criteria: Invitae Variant Classification Sherloc (09022015). Collection method: clinical testing. Allele origin: germline.
Comment: For these reasons, this variant has been classified as Pathogenic. This variant has not been reported in the literature in individuals affected with RAD50-related conditions. This variant is not present in population databases (gnomAD no frequency). This sequence change creates a premature translational stop signal (p.Gln621*) in the RAD50 gene. It is expected to result in an absent or disrupted protein product. Loss-of-function variants in RAD50 are known to be pathogenic (PMID: 19409520).

Literature cited by the submitters: PubMed 19409520.

NM_005732.4(RAD50):c.1861C>T (p.Gln621Ter)

Gene: RAD50 (RAD50 double strand break repair protein; plus strand). Cytogenetic location: 5q31.1.
Variant type: single nucleotide variant.
Coding change: c.1861C>T on transcript NM_005732.4 (MANE Select); coding-DNA position 1861, C replaced by T.
Protein change: p.Gln621Ter; replaces glutamine 621 with a stop codon.
Molecular consequence: nonsense.
Genome position (GRCh38, 1-based): chr5:132,594,936, C>T. VCF-style: chr5-132594936-C-T. GRCh37 (hg19) VCF-style: chr5-131930628-C-T.
Other names: short protein forms Q621*.
Identifiers: ClinVar variation 2050096 (VCV002050096.4), dbSNP rs2149843709, ClinGen allele CA360947813.